The following is an entry in ClinVar:

ClinVar aggregate classification (germline): Uncertain significance (1 of 4 stars; one submission).

Conditions:
Dihydropteridine reductase deficiency (HPABH4C). Also called: BH4-Deficient Hyperphenylalaninemia C; HYPERPHENYLALANINEMIA, TETRAHYDROBIOPTERIN-DEFICIENT, DUE TO DHPR DEFICIENCY; QDPR DEFICIENCY; QUINOID DIHYDROPTERIDINE REDUCTASE DEFICIENCY; Phenylketonuria II; Hyperphenylalaninemia due to dihydropteridine reductase deficiency. Identifiers: Orphanet 226, Orphanet 238583, MedGen C0268465, MONDO:0009862, OMIM 261630.

Allele frequency attached by ClinVar (database versions not stated): TOPMed below 0.00001; ExAC 0.00001; gnomAD 0.00001.

Submission:

Labcorp Genetics (formerly Invitae), Labcorp
Classification: Uncertain significance for Dihydropteridine reductase deficiency. Last evaluated: 2022-10-17. Review status: criteria provided, single submitter. Criteria: Invitae Variant Classification Sherloc (09022015). Collection method: clinical testing. Allele origin: germline.
Comment: This sequence change replaces aspartic acid, which is acidic and polar, with histidine, which is basic and polar, at codon 186 of the QDPR protein (p.Asp186His). This variant is present in population databases (rs765220609, gnomAD 0.0009%). This variant has not been reported in the literature in individuals affected with QDPR-related conditions. Algorithms developed to predict the effect of missense changes on protein structure and function (SIFT, PolyPhen-2, Align-GVGD) all suggest that this variant is likely to be disruptive. In summary, the available evidence is currently insufficient to determine the role of this variant in disease. Therefore, it has been classified as a Variant of Uncertain Significance.

NM_000320.3(QDPR):c.556G>C (p.Asp186His)

Gene: QDPR (quinoid dihydropteridine reductase; minus strand). Cytogenetic location: 4p15.32.
Variant type: single nucleotide variant.
Coding change: c.556G>C on transcript NM_000320.3 (MANE Select); coding-DNA position 556, G replaced by C.
Protein change: p.Asp186His; replaces aspartic acid 186 with histidine.
Molecular consequence: missense variant. On other transcripts: non-coding transcript variant (1).
Genome position (GRCh38, 1-based): chr4:17,490,735, C>G on the plus strand (G>C on the coding strand, the complement: QDPR is on the minus strand). VCF-style: chr4-17490735-C-G. GRCh37 (hg19) VCF-style: chr4-17492358-C-G.
Other names: c.463G>C, p.Asp155His (NM_001306140.2); short protein forms D186H, D155H.
Identifiers: ClinVar variation 2145544 (VCV002145544.1), dbSNP rs765220609, ClinGen allele CA2868053.